The following is an entry in ClinVar:

NM_000554.6(CRX):c.605del (p.Cys202fs)

Gene: CRX (cone-rod homeobox; plus strand). Cytogenetic location: 19q13.33.
Variant type: Deletion.
Coding change: c.605del on transcript NM_000554.6 (MANE Select); coding-DNA position 605, one base deleted (G; older notation c.605delG).
Protein change: p.Cys202fs; shifts the reading frame from cysteine 202.
Molecular consequence: frameshift variant.
Genome position (GRCh38, 1-based): chr19:47,839,672, G deleted. VCF-style (leftmost placement, unchanged base first): chr19-47839671-TG-T. GRCh37 (hg19) VCF-style: chr19-48342928-TG-T.
Other names: c.605del (NM_000554.4); short protein forms C202fs.
Identifiers: ClinVar variation 236495 (VCV000236495.12), dbSNP rs878853383, ClinGen allele CA10581706.
Genomic context (GRCh38, chr19:47,839,671, plus strand): 5'-TCAGGGCCGTCTCTGACCTCCGCCCCCTATGCCATGACCTACGCCCCGGCCTCCGCTTTC[TG>T]CTCTTCCCCCTCCGCCTATGGGTCTCCGAGCTCCTATTTCAGCGGCCTAGACCCCTACCT-3'

ClinVar aggregate classification (germline): Pathogenic. Review status: criteria provided, multiple submitters, no conflicts (2 of 4 stars). 3 submissions from 3 submitters: Pathogenic (2). 1 of the submissions does not count toward it. Last evaluated 2024-09-10.

Conditions:
CRX-related disorders.
Retinal dystrophy. Also called: Inherited retinal dystrophy. Identifiers: Orphanet 71862, MedGen C0854723, MeSH D058499, MONDO:0019118, HP:0000556.
Leber congenital amaurosis 7 (LCA7). Identifiers: Orphanet 65, MedGen C3151192, MONDO:0013449, OMIM 613829.
Cone-rod dystrophy 2 (CORD2). Also called: CONE-ROD RETINAL DYSTROPHY; Cone-rod retinal dystrophy 2. Identifiers: Orphanet 1872, MedGen C3489532, MONDO:0007362, OMIM 120970.

Submissions (3):

Labcorp Genetics (formerly Invitae), Labcorp
Classification: Pathogenic for Cone-rod dystrophy 2; Leber congenital amaurosis 7. Last evaluated: 2024-09-10. Review status: criteria provided, single submitter. Criteria: Invitae Variant Classification Sherloc (09022015). Collection method: clinical testing. Allele origin: germline.
Comment: This sequence change creates a premature translational stop signal (p.Cys202Serfs*17) in the CRX gene. While this is not anticipated to result in nonsense mediated decay, it is expected to disrupt the last 98 amino acid(s) of the CRX protein. This variant is not present in population databases (gnomAD no frequency). This premature translational stop signal has been observed in individuals with CRX-related conditions (PMID: 25270190; internal data). ClinVar contains an entry for this variant (Variation ID: 236495). This variant disrupts a region of the CRX protein in which other variant(s) (p.Tyr258*) have been determined to be pathogenic (PMID: 22968130, 25270190). This suggests that this is a clinically significant region of the protein, and that variants that disrupt it are likely to be disease-causing. For these reasons, this variant has been classified as Pathogenic.

Blueprint Genetics
Classification: Pathogenic for CRX-related disorders. Last evaluated: 2023-02-09. Review status: criteria provided, single submitter. Criteria: ACMG Guidelines, 2015. Collection method: clinical testing. Allele origin: germline. Affected: yes. Observed: 5 variant alleles.

Centre for Genomic Medicine, Manchester, Central Manchester University Hospitals
Classification: Likely pathogenic for Retinal dystrophy. Review status: no assertion criteria provided. Collection method: clinical testing. Allele origin: germline. Affected: yes. Not counted in ClinVar's aggregate classification.

Literature cited by the submitters: PubMed 25270190 (cited by Labcorp Genetics (formerly Invitae), Labcorp); PubMed 22968130 (cited by Labcorp Genetics (formerly Invitae), Labcorp).